The following is an entry in ClinVar:

NM_006393.3(NEBL):c.1621G>T (p.Asp541Tyr)

Gene: NEBL (nebulette; minus strand). Cytogenetic location: 10p12.31.
Variant type: single nucleotide variant.
Coding change: c.1621G>T on transcript NM_006393.3 (MANE Select); coding-DNA position 1621, G replaced by T.
Protein change: p.Asp541Tyr; replaces aspartic acid 541 with tyrosine.
Molecular consequence: missense variant. On other transcripts: intron variant (9).
Genome position (GRCh38, 1-based): chr10:20,831,246, C>A on the plus strand (G>T on the coding strand, the complement: NEBL is on the minus strand). VCF-style: chr10-20831246-C-A. GRCh37 (hg19) VCF-style: chr10-21120175-C-A.
Other names: c.250-18306G>T (NM_001377326.1, NM_001377327.1, NM_001377328.1); c.358-18306G>T (NM_213569.2, NM_001173484.2, NM_001377322.1); c.301-18306G>T (NM_001377324.1); c.292-18306G>T (NM_001377325.1); c.310-18306G>T (NM_001377323.1); short protein forms D541Y.
Identifiers: ClinVar variation 2165980 (VCV002165980.6), dbSNP rs922495834, ClinGen allele CA204164044.

ClinVar aggregate classification (germline): Uncertain significance. Review status: criteria provided, multiple submitters, no conflicts (2 of 4 stars). 2 submissions from 2 submitters: Uncertain significance (2). Last evaluated 2026-01-15.

Conditions:
Primary dilated cardiomyopathy (DCM). Also called: Dilated Cardiomyopathy. Identifiers: Orphanet 217604, MedGen C0007193, MeSH D002311, MONDO:0005021, HP:0001644. Inheritance: Various modes of inheritance.

Allele frequency attached by ClinVar (database versions not stated): gnomAD 0.00001; gnomAD exomes 0.00001; TOPMed 0.00001.
gnomAD v4.1: 7 of 1,613,586 alleles (0.00043%); highest among the groups gnomAD compares: Middle Eastern, 0.033%; no homozygotes.

Submissions (2):

Labcorp Genetics (formerly Invitae), Labcorp
Classification: Uncertain significance for Primary dilated cardiomyopathy. Last evaluated: 2026-01-15. Review status: criteria provided, single submitter. Criteria: Invitae Variant Classification Sherloc (09022015). Collection method: clinical testing. Allele origin: germline.
Comment: This sequence change replaces aspartic acid, which is acidic and polar, with tyrosine, which is neutral and polar, at codon 541 of the NEBL protein (p.Asp541Tyr). This variant is present in population databases (no rsID available, gnomAD 0.009%). This variant has not been reported in the literature in individuals affected with NEBL-related conditions. ClinVar contains an entry for this variant (Variation ID: 2165980). An algorithm developed to predict the effect of missense changes on protein structure and function (PolyPhen-2) suggests that this variant is likely to be tolerated. In summary, the available evidence is currently insufficient to determine the role of this variant in disease. Therefore, it has been classified as a Variant of Uncertain Significance.

Ambry Genetics
Classification: Uncertain significance. Last evaluated: 2025-12-01. Review status: criteria provided, single submitter. Criteria: Ambry Variant Classification Scheme 2023. Collection method: clinical testing. Allele origin: germline.
Comment: The p.D541Y variant (also known as c.1621G>T), located in coding exon 16 of the NEBL gene, results from a G to T substitution at nucleotide position 1621. The aspartic acid at codon 541 is replaced by tyrosine, an amino acid with highly dissimilar properties. This amino acid position is conserved. In addition, this alteration is predicted to be deleterious by in silico analysis. Since supporting evidence is limited at this time, the clinical significance of this alteration remains unclear.